The following is an entry in ClinVar:

ClinVar aggregate classification (germline): Pathogenic/Likely pathogenic. Review status: criteria provided, multiple submitters, no conflicts (2 of 4 stars). 6 submissions from 6 submitters: Pathogenic (3); Likely pathogenic (1). 2 of the submissions do not count toward it. Last evaluated 2024-01-07.

Conditions:
Spastic paraplegia. Identifiers: MedGen C0037772, HP:0001258.
Hereditary spastic paraplegia 15 (SPG15). Also called: KJELLIN SYNDROME; SPASTIC PARAPLEGIA AND RETINAL DEGENERATION; SPASTIC PARAPLEGIA 15, AUTOSOMAL RECESSIVE. Identifiers: Orphanet 100996, MedGen C1849128, MONDO:0010044, OMIM 270700.

Allele frequency attached by ClinVar (database versions not stated): gnomAD exomes below 0.00001; TOPMed below 0.00001.
gnomAD v4.1: 4 of 1,614,056 alleles (0.00025%); highest among the groups gnomAD compares: Non-Finnish European, 0.00034%; no homozygotes.

Submissions (6):

Labcorp Genetics (formerly Invitae), Labcorp
Classification: Pathogenic for Spastic paraplegia. Last evaluated: 2024-01-07. Review status: criteria provided, single submitter. Criteria: Invitae Variant Classification Sherloc (09022015). Collection method: clinical testing. Allele origin: germline.
Comment: This sequence change creates a premature translational stop signal (p.Gln752*) in the ZFYVE26 gene. It is expected to result in an absent or disrupted protein product. Loss-of-function variants in ZFYVE26 are known to be pathogenic (PMID: 18394578, 19805727). This variant is present in population databases (no rsID available, gnomAD 0.0009%). This premature translational stop signal has been observed in individual(s) with clinical features of hereditary spastic paraplegia (PMID: 24833714, 29858556, 30555096). ClinVar contains an entry for this variant (Variation ID: 372839). For these reasons, this variant has been classified as Pathogenic.

Revvity Omics, Revvity
Classification: Pathogenic for Hereditary spastic paraplegia 15. Last evaluated: 2022-11-09. Review status: criteria provided, single submitter. Criteria: ACMG Guidelines, 2015. Collection method: clinical testing. Allele origin: germline.

Victorian Clinical Genetics Services, Murdoch Childrens Research Institute
Classification: Pathogenic for Hereditary spastic paraplegia 15. Last evaluated: 2022-02-02. Review status: criteria provided, single submitter. Criteria: ACMG Guidelines, 2015. Collection method: clinical testing. Allele origin: germline. Inheritance: Autosomal recessive inheritance.
Comment: Based on the classification scheme VCGS_Germline_v1.3.4, this variant is classified as Pathogenic. Following criteria are met: 0102 - Loss of function is a known mechanism of disease in this gene and is associated with spastic paraplegia 15 (MIM#270700). (I) 0106 - This gene is associated with autosomal recessive disease. (I) 0201 - Variant is predicted to cause nonsense-mediated decay (NMD) and loss of protein (premature termination codon is located at least 54 nucleotides upstream of the final exon-exon junction). (SP) 0251 - This variant is heterozygous. (I) 0304 - Variant is present in gnomAD <0.01 for a recessive condition (1 heterozygote, 0 homozygotes). (SP) 0701 - Other NMD variants comparable to the one identified in this case have very strong previous evidence for pathogenicity (ClinVar, DECIPHER). (SP) 0802 - This variant has moderate previous evidence of pathogenicity in unrelated individuals. It has been reported in an individual with spastic paraplegia (PMID: 30555096) and classified as likely pathogenic and pathogenic in ClinVar. (I) Legend: (SP) - Supporting pathogenic, (I) - Information, (SB) - Supporting benign

GeneDx
Classification: Likely pathogenic. Last evaluated: 2016-01-20. Review status: criteria provided, single submitter. Criteria: GeneDx Variant Classification (06012015). Collection method: clinical testing. Allele origin: germline. Affected: yes.
Comment: The Q752X variant in the ZFYVE26 gene has not been reported previously as a pathogenic variant nor as a benign variant, to our knowledge. This variant is predicted to cause loss of normal protein function either through protein truncation or nonsense-mediated mRNA decay. The Q752X variant was not observed in approximately 6,500 individuals of European and African American ancestry in the NHLBI Exome Sequencing Project, indicating it is not a common benign variant in these populations. The Q752X variant is a strong candidate for a pathogenic variant, however the possibility it may be a rare benign variant cannot be excluded.

Institute of Human Genetics, Cologne University
Classification: Pathogenic for Hereditary spastic paraplegia 15. Last evaluated: 2018-04-25. Review status: no assertion criteria provided. Collection method: clinical testing. Allele origin: germline. Affected: yes. Not counted in ClinVar's aggregate classification.

Counsyl
Classification: Pathogenic for Hereditary spastic paraplegia 15. Last evaluated: 2017-07-25. Review status: no assertion criteria provided. Collection method: clinical testing. Allele origin: unknown. Not counted in ClinVar's aggregate classification.

Literature cited by the submitters: PubMed 18394578 (cited by Labcorp Genetics (formerly Invitae), Labcorp); PubMed 19805727 (cited by Labcorp Genetics (formerly Invitae), Labcorp); PubMed 24833714 (cited by Labcorp Genetics (formerly Invitae), Labcorp and Counsyl); PubMed 29858556 (cited by Labcorp Genetics (formerly Invitae), Labcorp); PubMed 30555096 (cited by Labcorp Genetics (formerly Invitae), Labcorp and Victorian Clinical Genetics Services, Murdoch Childrens Research Institute).

NM_015346.4(ZFYVE26):c.2254C>T (p.Gln752Ter)

Gene: ZFYVE26 (zinc finger FYVE-type containing 26; minus strand). Cytogenetic location: 14q24.1.
Variant type: single nucleotide variant.
Coding change: c.2254C>T on transcript NM_015346.4 (MANE Select); coding-DNA position 2254, C replaced by T.
Protein change: p.Gln752Ter; replaces glutamine 752 with a stop codon.
Molecular consequence: nonsense.
Genome position (GRCh38, 1-based): chr14:67,797,750, G>A on the plus strand (C>T on the coding strand, the complement: ZFYVE26 is on the minus strand). VCF-style: chr14-67797750-G-A. GRCh37 (hg19) VCF-style: chr14-68264467-G-A.
Other names: short protein forms Q752*.
Identifiers: ClinVar variation 372839 (VCV000372839.17), dbSNP rs1057518016, ClinGen allele CA16042934.